The following is an entry in ClinVar:

ClinVar aggregate classification (germline): Uncertain significance (1 of 4 stars; one submission).

gnomAD v4.1: 1 of 1,613,998 alleles (0.000062%); highest among the groups gnomAD compares: Non-Finnish European, 0.000085%; no homozygotes.

Submission:

GeneDx
Classification: Uncertain significance. Last evaluated: 2026-03-12. Review status: criteria provided, single submitter. Criteria: GeneDx Variant Classification Process June 2021. Collection method: clinical testing. Allele origin: germline.
Comment: In silico analysis supports that this missense variant has a deleterious effect on protein structure/function; Has not been previously published as pathogenic or benign to our knowledge; This variant is associated with the following publications: (PMID: 25486365, 22807134)

NM_001042492.3(NF1):c.3836G>T (p.Ser1279Ile)

Gene: NF1 (neurofibromin 1; plus strand). Cytogenetic location: 17q11.2.
Variant type: single nucleotide variant.
Coding change: c.3836G>T on transcript NM_001042492.3 (MANE Select); coding-DNA position 3836, G replaced by T.
Protein change: p.Ser1279Ile; replaces serine 1279 with isoleucine.
Molecular consequence: missense variant.
Genome position (GRCh38, 1-based): chr17:31,235,738, G>T. VCF-style: chr17-31235738-G-T. GRCh37 (hg19) VCF-style: chr17-29562756-G-T.
Other names: c.3836G>T, p.Ser1279Ile (NM_000267.4); short protein forms S1279I.
Identifiers: ClinVar variation 4975048 (VCV004975048.1).